The following is an entry in ClinVar:

NM_002948.5(RPL15):c.283G>T (p.Ala95Ser)

Genes: NKIRAS1 (NFKB inhibitor interacting Ras like 1; minus strand), RPL15 (ribosomal protein L15; plus strand). Cytogenetic location: 3p24.2.
Variant type: single nucleotide variant.
Coding change: c.283G>T on transcript NM_002948.5 (MANE Select); coding-DNA position 283, G replaced by T.
Protein change: p.Ala95Ser; replaces alanine 95 with serine.
Molecular consequence: missense variant. On other transcripts: intron variant (1).
Genome position (GRCh38, 1-based): chr3:23,918,550, G>T. VCF-style: chr3-23918550-G-T. GRCh37 (hg19) VCF-style: chr3-23960041-G-T.
Other names: c.283G>T, p.Ala95Ser (NM_001253379.2, NM_001253380.2, NM_001253382.2 and 2 more transcripts); c.-139-7100C>A (NM_001377380.1); short protein forms A95S.
Identifiers: ClinVar variation 3622645 (VCV003622645.2).

ClinVar aggregate classification (germline): Uncertain significance (1 of 4 stars; one submission).

gnomAD v4.1: 1 of 1,614,010 alleles (0.000062%); highest among the groups gnomAD compares: Non-Finnish European, 0.000085%; no homozygotes.

Submission:

Labcorp Genetics (formerly Invitae), Labcorp
Classification: Uncertain significance. Last evaluated: 2024-09-14. Review status: criteria provided, single submitter. Criteria: Invitae Variant Classification Sherloc (09022015). Collection method: clinical testing. Allele origin: germline.
Comment: This sequence change replaces alanine, which is neutral and non-polar, with serine, which is neutral and polar, at codon 95 of the RPL15 protein (p.Ala95Ser). This variant is not present in population databases (gnomAD no frequency). This variant has not been reported in the literature in individuals affected with RPL15-related conditions. An algorithm developed to predict the effect of missense changes on protein structure and function (PolyPhen-2) suggests that this variant is likely to be tolerated. In summary, the available evidence is currently insufficient to determine the role of this variant in disease. Therefore, it has been classified as a Variant of Uncertain Significance.